The following is an entry in ClinVar:

ClinVar aggregate classification (germline): Uncertain significance. Review status: criteria provided, multiple submitters, no conflicts (2 of 4 stars). 2 submissions from 2 submitters: Uncertain significance (2). Last evaluated 2026-05-23.

Conditions:
MKS1-related disorder. Also called: MKS1-related disorders; MKS1-related condition. Identifiers: MedGen CN239382.
Meckel-Gruber syndrome. Also called: DYSENCEPHALIA SPLANCHNOCYSTICA; GRUBER SYNDROME; Dysencephalia splachnocystica. Identifiers: Orphanet 564, MedGen C0265215, MONDO:0018921.
Joubert syndrome. Also called: JOUBERT-BOLTSHAUSER SYNDROME; Familial aplasia of the vermis. Identifiers: Orphanet 475, MedGen C5979921, MONDO:0018772.

Allele frequency attached by ClinVar (database versions not stated): gnomAD exomes below 0.00001.

Submissions (2):

PreventionGenetics, part of Exact Sciences
Classification: Uncertain significance for MKS1-related condition. Last evaluated: 2026-05-23. Review status: criteria provided, single submitter. Criteria: ACMG Guidelines, 2015. Collection method: clinical testing. Allele origin: germline.
Comment: The MKS1 c.1115C>T variant is predicted to result in the amino acid substitution p.Ser372Phe. To our knowledge, this variant has not been reported in the literature or in a large population database (gnomAD), indicating this variant is rare. At this time, the clinical significance of this variant is uncertain due to the absence of conclusive functional and genetic evidence.

Labcorp Genetics (formerly Invitae), Labcorp
Classification: Uncertain significance for Joubert syndrome; Meckel-Gruber syndrome. Last evaluated: 2022-06-18. Review status: criteria provided, single submitter. Criteria: Invitae Variant Classification Sherloc (09022015). Collection method: clinical testing. Allele origin: germline.
Comment: This sequence change replaces serine, which is neutral and polar, with phenylalanine, which is neutral and non-polar, at codon 372 of the MKS1 protein (p.Ser372Phe). This variant is not present in population databases (gnomAD no frequency). This variant has not been reported in the literature in individuals affected with MKS1-related conditions. Algorithms developed to predict the effect of missense changes on protein structure and function are either unavailable or do not agree on the potential impact of this missense change (SIFT: "Deleterious"; PolyPhen-2: "Probably Damaging"; Align-GVGD: "Class C0"). In summary, the available evidence is currently insufficient to determine the role of this variant in disease. Therefore, it has been classified as a Variant of Uncertain Significance.

NM_017777.4(MKS1):c.1115C>T (p.Ser372Phe)

Gene: MKS1 (MKS transition zone complex subunit 1; minus strand). Cytogenetic location: 17q22.
Variant type: single nucleotide variant.
Coding change: c.1115C>T on transcript NM_017777.4 (MANE Select); coding-DNA position 1115, C replaced by T.
Protein change: p.Ser372Phe; replaces serine 372 with phenylalanine.
Molecular consequence: missense variant.
Genome position (GRCh38, 1-based): chr17:58,208,155, G>A on the plus strand (C>T on the coding strand, the complement: MKS1 is on the minus strand). VCF-style: chr17-58208155-G-A. GRCh37 (hg19) VCF-style: chr17-56285516-G-A.
Other names: c.1115C>T (NM_017777.3); c.506C>T, p.Ser169Phe (NM_001321268.2); c.1115C>T, p.Ser372Phe (NM_001321269.2, NM_001330397.2); short protein forms S372F, S169F.
Identifiers: ClinVar variation 1423032 (VCV001423032.4), dbSNP rs1433377596, ClinGen allele CA400325724.